The following is an entry in ClinVar:

NM_014003.4(DHX38):c.2712G>C (p.Gln904His)

Gene: DHX38 (DEAH-box helicase 38; plus strand). Cytogenetic location: 16q22.2.
Variant type: single nucleotide variant.
Coding change: c.2712G>C on transcript NM_014003.4 (MANE Select); coding-DNA position 2712, G replaced by C.
Protein change: p.Gln904His; replaces glutamine 904 with histidine.
Molecular consequence: missense variant.
Genome position (GRCh38, 1-based): chr16:72,107,451, G>C. VCF-style: chr16-72107451-G-C. GRCh37 (hg19) VCF-style: chr16-72141350-G-C.
Other names: short protein forms Q904H.
Identifiers: ClinVar variation 2194268 (VCV002194268.1), dbSNP rs1014176704, ClinGen allele CA283690297.

ClinVar aggregate classification (germline): Uncertain significance (1 of 4 stars; one submission).

Allele frequency attached by ClinVar (database versions not stated): gnomAD exomes below 0.00001; gnomAD 0.00001; TOPMed 0.00001.
gnomAD v4.1: 2 of 1,614,068 alleles (0.00012%); highest among the groups gnomAD compares: African/African-American, 0.0027%; no homozygotes.

Submission:

Labcorp Genetics (formerly Invitae), Labcorp
Classification: Uncertain significance. Last evaluated: 2022-04-07. Review status: criteria provided, single submitter. Criteria: Invitae Variant Classification Sherloc (09022015). Collection method: clinical testing. Allele origin: germline.
Comment: This sequence change replaces glutamine, which is neutral and polar, with histidine, which is basic and polar, at codon 904 of the DHX38 protein (p.Gln904His). This variant is not present in population databases (gnomAD no frequency). This variant has not been reported in the literature in individuals affected with DHX38-related conditions. Algorithms developed to predict the effect of missense changes on protein structure and function are either unavailable or do not agree on the potential impact of this missense change (SIFT: "Tolerated"; PolyPhen-2: "Possibly Damaging"; Align-GVGD: "Class C0"). In summary, the available evidence is currently insufficient to determine the role of this variant in disease. Therefore, it has been classified as a Variant of Uncertain Significance.